The following is an entry in ClinVar:

ClinVar aggregate classification (germline): Uncertain significance (1 of 4 stars; one submission).

gnomAD v4.1: 6 of 1,614,080 alleles (0.00037%); highest among the groups gnomAD compares: South Asian, 0.0022%; no homozygotes.

Submission:

Ambry Genetics
Classification: Uncertain significance. Last evaluated: 2024-02-06. Review status: criteria provided, single submitter. Criteria: Ambry Variant Classification Scheme 2023. Collection method: clinical testing. Allele origin: germline.
Comment: The p.P125R variant (also known as c.374C>G), located in coding exon 5 of the RAD54L gene, results from a C to G substitution at nucleotide position 374. The proline at codon 125 is replaced by arginine, an amino acid with dissimilar properties. This amino acid position is conserved. In addition, this alteration is predicted to be tolerated by in silico analysis. Since supporting evidence is limited at this time, the clinical significance of this alteration remains unclear.

NM_003579.4(RAD54L):c.374C>G (p.Pro125Arg)

Gene: RAD54L (RAD54 like; plus strand). Cytogenetic location: 1p34.1.
Variant type: single nucleotide variant.
Coding change: c.374C>G on transcript NM_003579.4 (MANE Select); coding-DNA position 374, C replaced by G.
Protein change: p.Pro125Arg; replaces proline 125 with arginine.
Molecular consequence: missense variant. On other transcripts: 5 prime UTR variant (1).
Genome position (GRCh38, 1-based): chr1:46,260,066, C>G. VCF-style: chr1-46260066-C-G. GRCh37 (hg19) VCF-style: chr1-46725738-C-G.
Other names: c.374C>G, p.Pro125Arg (NM_001142548.2); c.-167C>G (NM_001370766.1); short protein forms P125R.
Identifiers: ClinVar variation 1734539 (VCV001734539.2), dbSNP rs147941516, ClinGen allele CA21905716.
Genomic context (GRCh38, chr1:46,260,066, plus strand): 5'-TCCGCCGGGCCCTCCATGACCCCCTGGAAAAAGATGCCTTGGTTCTGTATGAGCCTCCCC[C>G]GCTGAGCGCTCATGACCAGCTGAAGCTTGACAAGTATGTGCACTGGTATTTCATAAGCAG-3'
Protein context (NP_003570.2, residues 115-135): KDALVLYEPP[Pro125Arg]LSAHDQLKLD